The following is an entry in ClinVar:

NM_182961.4(SYNE1):c.25660-108T>C

Gene: SYNE1 (spectrin repeat containing nuclear envelope protein 1; minus strand). Cytogenetic location: 6q25.2.
Variant type: single nucleotide variant.
Coding change: c.25660-108T>C on transcript NM_182961.4 (MANE Select); 108 bases into the intron before coding-DNA position 25660, T replaced by C.
Molecular consequence: intron variant.
Genome position (GRCh38, 1-based): chr6:152,135,340, A>G on the plus strand (T>C on the coding strand, the complement: SYNE1 is on the minus strand). VCF-style: chr6-152135340-A-G. GRCh37 (hg19) VCF-style: chr6-152456475-A-G.
Other names: c.25516-108T>C (NM_033071.5); c.2266-108T>C (NM_001347701.2); c.2194-108T>C (NM_001347702.2).
Identifiers: ClinVar variation 670220 (VCV000670220.1), dbSNP rs3818109, ClinGen allele CA12379690.

ClinVar aggregate classification (germline): Benign (1 of 4 stars; one submission).

Allele frequency attached by ClinVar (database versions not stated): gnomAD 0.46669 and 0.46828; TOPMed 0.47737; 1000 Genomes Project 0.50160; 1000 Genomes Project 30x 0.50531.
gnomAD v4.1: 522,948 of 1,268,664 alleles (41%); highest among the groups gnomAD compares: African/African-American, 65%; 110,709 homozygotes.

Submission:

GeneDx
Classification: Benign. Last evaluated: 2018-06-14. Review status: criteria provided, single submitter. Criteria: GeneDx Variant Classification (06012015). Collection method: clinical testing. Allele origin: germline. Affected: yes.
Comment: This variant is considered likely benign or benign based on one or more of the following criteria: it is a conservative change, it occurs at a poorly conserved position in the protein, it is predicted to be benign by multiple in silico algorithms, and/or has population frequency not consistent with disease.